The following is an entry in ClinVar:

NM_001270891.2(TRAPPC6A):c.449-7C>T

Gene: TRAPPC6A (trafficking protein particle complex subunit 6A; minus strand). Cytogenetic location: 19q13.32.
Variant type: single nucleotide variant.
Coding change: c.449-7C>T on transcript NM_001270891.2 (MANE Select); 7 bases into the intron before coding-DNA position 449, C replaced by T.
Molecular consequence: intron variant.
Genome position (GRCh38, 1-based): chr19:45,163,230, G>A on the plus strand (C>T on the coding strand, the complement: TRAPPC6A is on the minus strand). VCF-style: chr19-45163230-G-A. GRCh37 (hg19) VCF-style: chr19-45666488-G-A.
Other names: c.*39-7C>T (NM_001270893.2, NM_001270892.2); c.491-7C>T (NM_024108.3).
Identifiers: ClinVar variation 3043688 (VCV003043688.2), dbSNP rs370760098, ClinGen allele CA9509914.

ClinVar aggregate classification (germline): Likely benign (0 of 4 stars; one submission).

Conditions:
TRAPPC6A-related disorder. Also called: TRAPPC6A-related condition.

Allele frequency attached by ClinVar (database versions not stated): ExAC 0.00003; gnomAD 0.00004; TOPMed 0.00006; ESP Exome Variant Server 0.00008.
gnomAD v4.1: 11 of 1,613,808 alleles (0.00068%); highest among the groups gnomAD compares: African/African-American, 0.013%; no homozygotes.

Submission:

PreventionGenetics, part of Exact Sciences
Classification: Likely benign for TRAPPC6A-related condition. Last evaluated: 2019-06-06. Review status: no assertion criteria provided. Collection method: clinical testing. Allele origin: germline.
Comment: This variant is classified as likely benign based on ACMG/AMP sequence variant interpretation guidelines (Richards et al. 2015 PMID: 25741868, with internal and published modifications).